The following is an entry in ClinVar:

ClinVar aggregate classification (germline): Likely benign (0 of 4 stars; one submission).

Conditions:
MFF-related disorder. Also called: MFF-related condition.

Allele frequency attached by ClinVar (database versions not stated): TOPMed below 0.00001; gnomAD exomes 0.00001; ExAC 0.00002.
gnomAD v4.1: 14 of 1,489,314 alleles (0.00094%); highest among the groups gnomAD compares: Non-Finnish European, 0.0013%; no homozygotes.

Submission:

PreventionGenetics, part of Exact Sciences
Classification: Likely benign for MFF-related condition. Last evaluated: 2019-12-03. Review status: no assertion criteria provided. Collection method: clinical testing. Allele origin: germline.
Comment: This variant is classified as likely benign based on ACMG/AMP sequence variant interpretation guidelines (Richards et al. 2015 PMID: 25741868, with internal and published modifications).

NM_001277062.2(MFF):c.-40-833A>G

Gene: MFF (mitochondrial fission factor; plus strand). Cytogenetic location: 2q36.3.
Variant type: single nucleotide variant.
Coding change: c.-40-833A>G on transcript NM_001277062.2 (MANE Select); 833 bases into the intron before 40 bases upstream of the start codon, A replaced by G.
Molecular consequence: intron variant.
Genome position (GRCh38, 1-based): chr2:227,329,793, A>G. VCF-style: chr2-227329793-A-G. GRCh37 (hg19) VCF-style: chr2-228194509-A-G.
Other names: c.38+10A>G (NM_001277061.2, NM_020194.5); c.-40-833A>G (NM_001277063.2, NM_001277064.2, NM_001277065.2 and 2 more transcripts); c.-36+10A>G (NM_001277067.1).
Identifiers: ClinVar variation 3048424 (VCV003048424.2), dbSNP rs750961619, ClinGen allele CA2147751.
Genomic context (GRCh38, chr2:227,329,793, plus strand): 5'-TTACTGTATTTAAATGAGTAAAGGAACAAGCAGTGACACATCACTAGGAAGGTCAGTGAA[A>G]TTTTATTCAGTTGAGCTGGTATTATAGGTTTGAGAGACAATGGCTTTAAAGCTTACTGCC-3'